The following is an entry in ClinVar:

NM_004519.4(KCNQ3):c.*4958A>G

Gene: KCNQ3 (potassium voltage-gated channel subfamily Q member 3; minus strand). Cytogenetic location: 8q24.22.
Variant type: single nucleotide variant.
Coding change: c.*4958A>G on transcript NM_004519.4 (MANE Select); 4958 bases downstream of the stop codon, A replaced by G.
Molecular consequence: 3 prime UTR variant.
Genome position (GRCh38, 1-based): chr8:132,124,304, T>C on the plus strand (A>G on the coding strand, the complement: KCNQ3 is on the minus strand). VCF-style: chr8-132124304-T-C. GRCh37 (hg19) VCF-style: chr8-133136551-T-C.
Other names: c.*4958A>G (NM_001204824.2).
Identifiers: ClinVar variation 361799 (VCV000361799.7), dbSNP rs1437824, ClinGen allele CA10630162.

ClinVar aggregate classification (germline): Benign. Review status: criteria provided, multiple submitters, no conflicts (2 of 4 stars). 2 submissions from 2 submitters: Benign (2). Last evaluated 2018-01-13.

Conditions:
Seizures, benign familial neonatal, 2. Also called: CONVULSIONS, BENIGN FAMILIAL NEONATAL, 2; KCNQ3-Related Self-Limited Familial Neonatal Epilepsy (SLFNE); Benign Neonatal Epilepsy 2; KCNQ3-Related Benign Familial Neonatal Epilepsy; Seizures, benign neonatal, 2. Identifiers: Orphanet 1949, MedGen C1852581, MONDO:0007366, OMIM 121201.

Allele frequency attached by ClinVar (database versions not stated): 1000 Genomes Project 0.72284; gnomAD 0.82138 and 0.82814; TOPMed 0.82081; 1000 Genomes Project 30x 0.73048.

Submissions (2):

Illumina Laboratory Services, Illumina
Classification: Benign for Seizures, benign familial neonatal, 2. Last evaluated: 2018-01-13. Review status: criteria provided, single submitter. Criteria: ICSL Variant Classification Criteria 13 December 2019. Collection method: clinical testing. Allele origin: germline.
Comment: This variant was observed in the ICSL laboratory as part of a predisposition screen in an ostensibly healthy population. It had not been previously curated by ICSL or reported in the Human Gene Mutation Database (HGMD: prior to June 1st, 2018), and was therefore a candidate for classification through an automated scoring system. Utilizing variant allele frequency, disease prevalence and penetrance estimates, and inheritance mode, an automated score was calculated to assess if this variant is too frequent to cause the disease. Based on the score and internal cut-off values, a variant classified as benign is not then subjected to further curation. The score for this variant resulted in a classification of benign for this disease.

Breakthrough Genomics
Classification: Benign. Review status: criteria provided, single submitter. Criteria: ACMG Guidelines, 2015. Collection method: not provided. Allele origin: germline. Inheritance: Autosomal dominant inheritance. Affected: yes.